The following is an entry in ClinVar:

NM_001164277.2(SLC37A4):c.935_936del (p.Thr312fs)

Gene: SLC37A4 (solute carrier family 37 member 4; minus strand). Cytogenetic location: 11q23.3.
Variant type: Deletion.
Coding change: c.935_936del on transcript NM_001164277.2 (MANE Select); coding-DNA positions 935 to 936, 2 bases deleted (CA; older notation c.935_936delCA).
Protein change: p.Thr312fs; shifts the reading frame from threonine 312.
Molecular consequence: frameshift variant.
Genome position (GRCh38, 1-based): chr11:119,026,015-119,026,016, TG deleted on the plus strand (CA on the coding strand, the reverse complement: SLC37A4 is on the minus strand); deleting any 2 consecutive bases within chr11:119,026,015-119,026,017 gives the same sequence; the c. name uses the placement nearest the transcript's 3' end. VCF-style (leftmost placement, unchanged base first): chr11-119026014-CTG-C. GRCh37 (hg19) VCF-style: chr11-118896724-CTG-C.
Other names: c.935_936delCA (NM_001164277.1); c.935_936del, p.Thr312fs (NM_001164278.2, NM_001164280.2, NM_001467.6); c.716_717del, p.Thr239fs (NM_001164279.2); short protein forms T239fs, T312fs.
Identifiers: ClinVar variation 2125836 (VCV002125836.6), dbSNP rs2497017623, ClinGen allele CA2580083656.

ClinVar aggregate classification (germline): Pathogenic/Likely pathogenic. Review status: criteria provided, multiple submitters, no conflicts (2 of 4 stars). 3 submissions from 3 submitters: Pathogenic (1); Likely pathogenic (2). Last evaluated 2024-02-29.

Conditions:
Glucose-6-phosphate transport defect (GSD1B). Also called: GSD Ib; Glycogen Storage Disease Type Ib. Identifiers: Orphanet 364, Orphanet 79259, MedGen C0268146, MONDO:0009288, OMIM 232220.

Submissions (3):

Natera, Inc.
Classification: Likely pathogenic for Glycogen storage disease type Ib. Last evaluated: 2024-02-29. Review status: criteria provided, single submitter. Criteria: Natera Variant Classification Schema (03/2026). Collection method: clinical testing. Allele origin: germline.
Comment: The c.935_936delCA variant in SLC37A4 is a frameshift variant predicted to shift the reading frame beginning at codon 312 and leads to a stop codon 13 codons downstream. This variant is expected to result in nonsense mediated decay, truncation, or a dysfunctional protein product. This variant is rare in the general population with a frequency below the threshold expected for the associated phenotype(s). Given the available evidence, this variant is classified as Likely Pathogenic.

Baylor Genetics
Classification: Likely pathogenic for Glucose-6-phosphate transport defect. Last evaluated: 2023-07-07. Review status: criteria provided, single submitter. Criteria: ACMG Guidelines, 2015. Collection method: clinical testing. Allele origin: unknown.

Labcorp Genetics (formerly Invitae), Labcorp
Classification: Pathogenic for Glucose-6-phosphate transport defect. Last evaluated: 2022-04-13. Review status: criteria provided, single submitter. Criteria: Invitae Variant Classification Sherloc (09022015). Collection method: clinical testing. Allele origin: germline.
Comment: For these reasons, this variant has been classified as Pathogenic. This variant has not been reported in the literature in individuals affected with SLC37A4-related conditions. This variant is not present in population databases (gnomAD no frequency). This sequence change creates a premature translational stop signal (p.Thr312Serfs*13) in the SLC37A4 gene. It is expected to result in an absent or disrupted protein product. Loss-of-function variants in SLC37A4 are known to be pathogenic (PMID: 9758626, 10940311).

Literature cited by the submitters: PubMed 9758626 (cited by Labcorp Genetics (formerly Invitae), Labcorp); PubMed 10940311 (cited by Labcorp Genetics (formerly Invitae), Labcorp).